The following is an entry in ClinVar:

NM_000465.4(BARD1):c.2004G>T (p.Leu668Phe)

Gene: BARD1 (BRCA1 associated RING domain 1; minus strand). Cytogenetic location: 2q35.
Variant type: single nucleotide variant.
Coding change: c.2004G>T on transcript NM_000465.4 (MANE Select); coding-DNA position 2004, G replaced by T.
Protein change: p.Leu668Phe; replaces leucine 668 with phenylalanine.
Molecular consequence: missense variant. On other transcripts: non-coding transcript variant (3).
Genome position (GRCh38, 1-based): chr2:214,729,006, C>A on the plus strand (G>T on the coding strand, the complement: BARD1 is on the minus strand). VCF-style: chr2-214729006-C-A. GRCh37 (hg19) VCF-style: chr2-215593730-C-A.
Other names: c.1947G>T, p.Leu649Phe (NM_001282543.2); c.651G>T, p.Leu217Phe (NM_001282545.2); c.594G>T, p.Leu198Phe (NM_001282548.2); c.465G>T, p.Leu155Phe (NM_001282549.2); short protein forms L217F, L668F, L155F, L198F, L649F.
Identifiers: ClinVar variation 5032798 (VCV005032798.1).
Genomic context (GRCh38, chr2:214,729,006, plus strand): 5'-CTTTGGATGGTGTTTGAAGGTTCCCCACAAATAGAAGTAGCATCCATCAAACAGCTTTGG[C>A]AACTGAAATAATGAGAAAACATTTGTTAAAGGCAGATCAAAATACTGTATTCAAAAACAC-3'
Protein context (NP_000456.2, residues 658-678): RRSRLNREQL[Leu668Phe]PKLFDGCYFY

ClinVar aggregate classification (germline): Uncertain significance (1 of 4 stars; one submission).

Conditions:
Hereditary cancer-predisposing syndrome. Also called: Neoplastic Syndromes, Hereditary; Tumor predisposition; Hereditary neoplastic syndrome; Hereditary Cancer Syndrome. Identifiers: Orphanet 140162, MedGen C0027672, MeSH D009386, MONDO:0015356.

Submission:

Ambry Genetics
Classification: Uncertain significance for Hereditary cancer-predisposing syndrome. Last evaluated: 2026-07-07. Review status: criteria provided, single submitter. Criteria: Ambry Variant Classification Scheme 2023. Collection method: clinical testing. Allele origin: germline.
Comment: The p.L668F variant (also known as c.2004G>T), located in coding exon 11 of the BARD1 gene, results from a G to T substitution at nucleotide position 2004. The leucine at codon 668 is replaced by phenylalanine, an amino acid with highly similar properties. This amino acid position is conserved. In addition, the in silico prediction for this alteration is inconclusive. Based on the available evidence, the clinical significance of this variant remains unclear.